The following is an entry in ClinVar:

NM_017775.4(TTC19):c.463-233G>A

Gene: TTC19 (tetratricopeptide repeat domain 19; plus strand). Cytogenetic location: 17p12.
Variant type: single nucleotide variant.
Coding change: c.463-233G>A on transcript NM_017775.4 (MANE Select); 233 bases into the intron before coding-DNA position 463, G replaced by A.
Molecular consequence: intron variant.
Genome position (GRCh38, 1-based): chr17:16,003,598, G>A. VCF-style: chr17-16003598-G-A. GRCh37 (hg19) VCF-style: chr17-15906912-G-A.
Other names: c.142-233G>A (NM_001271420.2).
Identifiers: ClinVar variation 667505 (VCV000667505.2), dbSNP rs2041460, ClinGen allele CA14418088.

ClinVar aggregate classification (germline): Benign. Review status: criteria provided, multiple submitters, no conflicts (2 of 4 stars). 2 submissions from 2 submitters: Benign (2). Last evaluated 2018-06-14.

Allele frequency attached by ClinVar (database versions not stated): 1000 Genomes Project 0.31470; 1000 Genomes Project 30x 0.31512; TOPMed 0.40884; gnomAD 0.42588 and 0.42974.

Submissions (2):

GeneDx
Classification: Benign. Last evaluated: 2018-06-14. Review status: criteria provided, single submitter. Criteria: GeneDx Variant Classification (06012015). Collection method: clinical testing. Allele origin: germline. Affected: yes.
Comment: This variant is considered likely benign or benign based on one or more of the following criteria: it is a conservative change, it occurs at a poorly conserved position in the protein, it is predicted to be benign by multiple in silico algorithms, and/or has population frequency not consistent with disease.

Breakthrough Genomics
Classification: Benign. Review status: criteria provided, single submitter. Criteria: ACMG Guidelines, 2015. Collection method: not provided. Allele origin: germline. Inheritance: Autosomal recessive inheritance. Affected: yes.